The following is an entry in ClinVar:

NM_006939.4(SOS2):c.2329C>T (p.Leu777Phe)

Gene: SOS2 (SOS Ras/Rho guanine nucleotide exchange factor 2; minus strand). Cytogenetic location: 14q21.3.
Variant type: single nucleotide variant.
Coding change: c.2329C>T on transcript NM_006939.4 (MANE Select); coding-DNA position 2329, C replaced by T.
Protein change: p.Leu777Phe; replaces leucine 777 with phenylalanine.
Molecular consequence: missense variant.
Genome position (GRCh38, 1-based): chr14:50,150,063, G>A on the plus strand (C>T on the coding strand, the complement: SOS2 is on the minus strand). VCF-style: chr14-50150063-G-A. GRCh37 (hg19) VCF-style: chr14-50616781-G-A.
Other names: c.2329C>T (NM_006939.2); short protein forms L777F.
Identifiers: ClinVar variation 1471167 (VCV001471167.10), dbSNP rs151074097, ClinGen allele CA7177066.

ClinVar aggregate classification (germline): Conflicting classifications of pathogenicity. Review status: criteria provided, conflicting classifications (1 of 4 stars). 2 submissions from 2 submitters: Uncertain significance (1); Likely benign (1). Last evaluated 2025-03-31.

Conditions:
Cardiovascular phenotype. Identifiers: MedGen CN230736.
Noonan syndrome 9 (NS9). Identifiers: Orphanet 648, MedGen C4225282, MONDO:0014691, OMIM 616559.

Allele frequency attached by ClinVar (database versions not stated): gnomAD exomes below 0.00001; TOPMed 0.00004; ESP Exome Variant Server 0.00008.
gnomAD v4.1: 13 of 1,613,888 alleles (0.00081%); highest among the groups gnomAD compares: African/African-American, 0.015%; no homozygotes.

Submissions (2):

Labcorp Genetics (formerly Invitae), Labcorp
Classification: Likely benign for Noonan syndrome 9. Last evaluated: 2025-03-31. Review status: criteria provided, single submitter. Criteria: Invitae Variant Classification Sherloc (09022015). Collection method: clinical testing. Allele origin: germline.

Ambry Genetics
Classification: Uncertain significance for Cardiovascular phenotype. Last evaluated: 2023-06-22. Review status: criteria provided, single submitter. Criteria: Ambry Variant Classification Scheme 2023. Collection method: clinical testing. Allele origin: germline.
Comment: The p.L777F variant (also known as c.2329C>T), located in coding exon 14 of the SOS2 gene, results from a C to T substitution at nucleotide position 2329. The leucine at codon 777 is replaced by phenylalanine, an amino acid with highly similar properties. This amino acid position is conserved. In addition, the in silico prediction for this alteration is inconclusive. Since supporting evidence is limited at this time, the clinical significance of this alteration remains unclear.